The following is an entry in ClinVar:

ClinVar aggregate classification (germline): Uncertain significance (1 of 4 stars; one submission).

Allele frequency attached by ClinVar (database versions not stated): TOPMed 0.00001.

Submission:

Labcorp Genetics (formerly Invitae), Labcorp
Classification: Uncertain significance. Last evaluated: 2021-09-15. Review status: criteria provided, single submitter. Criteria: Invitae Variant Classification Sherloc (09022015). Collection method: clinical testing. Allele origin: germline.
Comment: The frequency data for this variant in the population databases is considered unreliable, as metrics indicate insufficient coverage at this position in the ExAC database. In summary, the available evidence is currently insufficient to determine the role of this variant in disease. Therefore, it has been classified as a Variant of Uncertain Significance. Algorithms developed to predict the effect of missense changes on protein structure and function are either unavailable or do not agree on the potential impact of this missense change (SIFT: "Not Available"; PolyPhen-2: "Benign"; Align-GVGD: "Not Available"). This variant has not been reported in the literature in individuals affected with LIPT2-related conditions. This sequence change replaces glutamine with histidine at codon 130 of the LIPT2 protein (p.Gln130His). The glutamine residue is weakly conserved and there is a small physicochemical difference between glutamine and histidine.

NM_001144869.3(LIPT2):c.390G>C (p.Gln130His)

Gene: LIPT2 (lipoyl(octanoyl) transferase 2; minus strand). Cytogenetic location: 11q13.4.
Variant type: single nucleotide variant.
Coding change: c.390G>C on transcript NM_001144869.3 (MANE Select); coding-DNA position 390, G replaced by C.
Protein change: p.Gln130His; replaces glutamine 130 with histidine.
Molecular consequence: missense variant. On other transcripts: intron variant (1).
Genome position (GRCh38, 1-based): chr11:74,493,314, C>G on the plus strand (G>C on the coding strand, the complement: LIPT2 is on the minus strand). VCF-style: chr11-74493314-C-G. GRCh37 (hg19) VCF-style: chr11-74204359-C-G.
Other names: c.390G>C, p.Gln130His (NM_001329941.2); c.237+153G>C (NM_001329942.2); short protein forms Q130H.
Identifiers: ClinVar variation 1399478 (VCV001399478.6), dbSNP rs949266632, ClinGen allele CA224979283.
Genomic context (GRCh38, chr11:74,493,314, plus strand): 5'-GCGATCGTCTAGCCAGACGCCAGTGTAGGGCGGGGGCCGCGCGCGGGCGTCCTGCAGGCC[C>G]TGGAGCTCGCACAGGCGCACGGCGCACGCCTCCAGCGACGCTACGTGCATGCGCAAGCGC-3'
Protein context (NP_001138341.1, residues 120-140): EACAVRLCEL[Gln130His]GLQDARARPP